The following is an entry in ClinVar:

ClinVar aggregate classification (germline): Uncertain significance (1 of 4 stars; one submission).

Conditions:
Neuropathy, hereditary sensory and autonomic, type 2A (HSAN2A). Also called: HSAN IIA; MORVAN DISEASE; NEUROPATHY, CONGENITAL SENSORY; NEUROPATHY, HEREDITARY SENSORY RADICULAR, AUTOSOMAL RECESSIVE; NEUROPATHY, HEREDITARY SENSORY, TYPE IIA; NEUROPATHY, PROGRESSIVE SENSORY, OF CHILDREN. Identifiers: Orphanet 970, MedGen C2752089, MONDO:0024309, OMIM 201300.
Generalized epilepsy with febrile seizures plus, type 7 (GEFSP7). Also called: GEFS+, TYPE 7. Identifiers: Orphanet 36387, MedGen C2751778, MONDO:0013470, OMIM 613863.

Allele frequency attached by ClinVar (database versions not stated): gnomAD exomes below 0.00001.
gnomAD v4.1: 1 of 1,613,938 alleles (0.000062%); highest among the groups gnomAD compares: East Asian, 0.0022%; no homozygotes.

Submission:

Labcorp Genetics (formerly Invitae), Labcorp
Classification: Uncertain significance for Neuropathy, hereditary sensory and autonomic, type 2A; Generalized epilepsy with febrile seizures plus, type 7. Last evaluated: 2018-07-05. Review status: criteria provided, single submitter. Criteria: Invitae Variant Classification Sherloc (09022015). Collection method: clinical testing. Allele origin: germline.
Comment: In summary, the available evidence is currently insufficient to determine the role of this variant in disease. Therefore, it has been classified as a Variant of Uncertain Significance. Algorithms developed to predict the effect of missense changes on protein structure and function are either unavailable or do not agree on the potential impact of this missense change (SIFT: "Deleterious"; PolyPhen-2: "Probably Damaging"; Align-GVGD: "Class C15"). This variant has not been reported in the literature in individuals with SCN9A-related disease. This variant is not present in population databases (ExAC no frequency). This sequence change replaces glycine with tryptophan at codon 1345 of the SCN9A protein (p.Gly1345Trp). The glycine residue is highly conserved and there is a large physicochemical difference between glycine and tryptophan.

NM_001365536.1(SCN9A):c.4066G>T (p.Gly1356Trp)

Genes: SCN1A-AS1 (SCN1A and SCN9A antisense RNA 1; plus strand), SCN9A (sodium voltage-gated channel alpha subunit 9; minus strand). Cytogenetic location: 2q24.3.
Variant type: single nucleotide variant.
Coding change: c.4066G>T on transcript NM_001365536.1 (MANE Select); coding-DNA position 4066, G replaced by T.
Protein change: p.Gly1356Trp; replaces glycine 1356 with tryptophan.
Molecular consequence: missense variant.
Genome position (GRCh38, 1-based): chr2:166,228,831, C>A on the plus strand (G>T on the coding strand, the complement: SCN9A is on the minus strand). VCF-style: chr2-166228831-C-A. GRCh37 (hg19) VCF-style: chr2-167085341-C-A.
Other names: c.4033G>T, p.Gly1345Trp (NM_002977.4); short protein forms G1345W, G1356W.
Identifiers: ClinVar variation 657246 (VCV000657246.9), dbSNP rs1574761622, ClinGen allele CA349063824.